The following is an entry in ClinVar:

NM_001367868.2(PLIN4):c.2775C>T (p.Thr925=)

Gene: PLIN4 (perilipin 4; minus strand). Cytogenetic location: 19p13.3.
Variant type: single nucleotide variant.
Coding change: c.2775C>T on transcript NM_001367868.2 (MANE Select); coding-DNA position 2775, C replaced by T.
Protein change: p.Thr925=; no amino-acid change (threonine 925 retained).
Molecular consequence: synonymous variant.
Genome position (GRCh38, 1-based): chr19:4,511,185, G>A on the plus strand (C>T on the coding strand, the complement: PLIN4 is on the minus strand). VCF-style: chr19-4511185-G-A. GRCh37 (hg19) VCF-style: chr19-4511197-G-A.
Other names: c.2778C>T, p.Thr926= (NM_001393888.1, NM_001393889.1); c.2775C>T, p.Thr925= (NM_001393890.1, NM_001393891.1).
Identifiers: ClinVar variation 2649041 (VCV002649041.24), dbSNP rs199625614, ClinGen allele CA9099882.

ClinVar aggregate classification (germline): Likely benign (1 of 4 stars; one submission).

Allele frequency attached by ClinVar (database versions not stated): gnomAD exomes 0.00010; gnomAD 0.00013.
gnomAD v4.1: 177 of 1,603,550 alleles (0.011%); highest among the groups gnomAD compares: South Asian, 0.12%; 1 homozygote.

Submission:

CeGaT Center for Human Genetics Tuebingen
Classification: Likely benign. Last evaluated: 2026-05-01. Review status: criteria provided, single submitter. Criteria: CeGaT Center For Human Genetics Tuebingen Variant Classification Criteria Version 2. Collection method: clinical testing. Allele origin: germline. Affected: yes. Observed: 4 variant alleles.
Comment: PLIN4: BP4, BP7, BS1